The following is an entry in ClinVar:

NM_018684.4(ZC4H2):c.529G>A (p.Ala177Thr)

Gene: ZC4H2 (zinc finger C4H2-type containing; minus strand). Cytogenetic location: Xq11.2.
Variant type: single nucleotide variant.
Coding change: c.529G>A on transcript NM_018684.4 (MANE Select); coding-DNA position 529, G replaced by A.
Protein change: p.Ala177Thr; replaces alanine 177 with threonine.
Molecular consequence: missense variant. On other transcripts: non-coding transcript variant (1), intron variant (1).
Genome position (GRCh38, 1-based): chrX:64,919,074, C>T on the plus strand (G>A on the coding strand, the complement: ZC4H2 is on the minus strand). VCF-style: chrX-64919074-C-T. GRCh37 (hg19) VCF-style: chrX-64138954-C-T.
Other names: c.460G>A, p.Ala154Thr (NM_001178032.3, NM_001243804.2); c.398+1007G>A (NM_001178033.3); short protein forms A154T, A177T.
Identifiers: ClinVar variation 3901387 (VCV003901387.2).

ClinVar aggregate classification (germline): Uncertain significance (1 of 4 stars; one submission).

Submission:

GeneDx
Classification: Uncertain significance. Last evaluated: 2026-08-23. Review status: criteria provided, single submitter. Criteria: GeneDx Variant Classification Process June 2021. Collection method: clinical testing. Allele origin: germline.
Comment: In silico analysis suggests that this missense variant does not alter protein structure/function; Has not been previously published as pathogenic or benign to our knowledge